The following is an entry in ClinVar:

NM_058195.4(CDKN2A):c.36G>T (p.Arg12=)

Gene: CDKN2A (cyclin dependent kinase inhibitor 2A; minus strand). Cytogenetic location: 9p21.3.
Variant type: single nucleotide variant.
Coding change: c.36G>T on transcript NM_058195.4 (MANE Plus Clinical); coding-DNA position 36, G replaced by T.
Protein change: p.Arg12=; no amino-acid change (arginine 12 retained).
Molecular consequence: synonymous variant. On other transcripts: intron variant (1).
Genome position (GRCh38, 1-based): chr9:21,994,296, C>A on the plus strand (G>T on the coding strand, the complement: CDKN2A is on the minus strand). VCF-style: chr9-21994296-C-A. GRCh37 (hg19) VCF-style: chr9-21994295-C-A.
Other names: c.-4+525G>T (NM_001363763.2).
Identifiers: ClinVar variation 463516 (VCV000463516.14), dbSNP rs1305455942, ClinGen allele CA464100370.
Genomic context (GRCh38, chr9:21,994,296, plus strand): 5'-CCCCGTGAGCCGCGGGATGTGAACCACGAAAACCCTCACTCGCGGCGGGCCGCACGCGCG[C>A]CGAATCCGGAGGGTCACCAAGAACCTGCGCACCATGTTCTCGCCGCCTCCAGGGCCGAGC-3'
Protein context (NP_478102.2, residues 2-22): VRRFLVTLRI[Arg12=]RACGPPRVRV

ClinVar aggregate classification (germline): Benign/Likely benign. Review status: criteria provided, multiple submitters, no conflicts (2 of 4 stars). 4 submissions from 4 submitters: Benign (1); Likely benign (3). Last evaluated 2025-08-12.

Conditions:
Familial melanoma. Also called: Hereditary melanoma; Hereditary cutaneous melanoma. Identifiers: Orphanet 618, MedGen C1512419, MONDO:0018961.
Hereditary cancer-predisposing syndrome. Also called: Neoplastic Syndromes, Hereditary; Hereditary Cancer Syndrome; Tumor predisposition; Hereditary neoplastic syndrome. Identifiers: Orphanet 140162, MedGen C0027672, MeSH D009386, MONDO:0015356.
Melanoma-pancreatic cancer syndrome. Identifiers: Orphanet 404560, MedGen C1838547, MONDO:0011713, OMIM 606719. Disease mechanism: loss of function.

Allele frequency attached by ClinVar (database versions not stated): gnomAD 0.00001; gnomAD exomes below 0.00001; TOPMed 0.00001.
gnomAD v4.1: 4 of 1,604,238 alleles (0.00025%); highest among the groups gnomAD compares: African/African-American, 0.0027%; no homozygotes.

Submissions (4):

Myriad Genetics, Inc.
Classification: Benign for Melanoma-pancreatic cancer syndrome. Last evaluated: 2025-08-12. Review status: criteria provided, single submitter. Criteria: Myriad Autosomal Dominant, Autosomal Recessive and X-Linked Classification Criteria (2023). Collection method: clinical testing. Allele origin: unknown.
Comment: This variant is considered benign. This variant is a silent/synonymous amino acid change and it is not expected to impact splicing.

Labcorp Genetics (formerly Invitae), Labcorp
Classification: Likely benign for Familial melanoma. Last evaluated: 2021-09-01. Review status: criteria provided, single submitter. Criteria: Invitae Variant Classification Sherloc (09022015). Collection method: clinical testing. Allele origin: germline.

GeneDx
Classification: Likely benign. Last evaluated: 2019-08-26. Review status: criteria provided, single submitter. Criteria: GeneDx Variant Classification Process June 2021. Collection method: clinical testing. Allele origin: germline. Affected: yes.

Ambry Genetics
Classification: Likely benign for Hereditary cancer-predisposing syndrome. Last evaluated: 2016-03-18. Review status: criteria provided, single submitter. Criteria: Ambry Variant Classification Scheme 2023. Collection method: clinical testing. Allele origin: germline.